The following is an entry in ClinVar:

NM_198253.3(TERT):c.3386C>A (p.Thr1129Asn)

Gene: TERT (telomerase reverse transcriptase; minus strand). Cytogenetic location: 5p15.33.
Variant type: single nucleotide variant.
Coding change: c.3386C>A on transcript NM_198253.3 (MANE Select); coding-DNA position 3386, C replaced by A.
Protein change: p.Thr1129Asn; replaces threonine 1129 with asparagine.
Molecular consequence: missense variant. On other transcripts: non-coding transcript variant (2).
Genome position (GRCh38, 1-based): chr5:1,253,741, G>T on the plus strand (C>A on the coding strand, the complement: TERT is on the minus strand). VCF-style: chr5-1253741-G-T. GRCh37 (hg19) VCF-style: chr5-1253856-G-T.
Other names: c.3197C>A, p.Thr1066Asn (NM_001193376.3); short protein forms T1129N, T1066N.
Identifiers: ClinVar variation 1422498 (VCV001422498.8), dbSNP rs775095158, ClinGen allele CA112922487.

ClinVar aggregate classification (germline): Uncertain significance (1 of 4 stars; one submission).

Conditions:
Dyskeratosis congenita, autosomal dominant 2. Identifiers: MedGen C3151443, MONDO:0013521, OMIM 613989.
Idiopathic Pulmonary Fibrosis. Also called: Idiopathic fibrosing alveolitis, chronic form; idiopathic fibrosing alveolitis. Identifiers: Orphanet 2032, MedGen C1800706, MeSH D054990, MONDO:0800504.

Submission:

Labcorp Genetics (formerly Invitae), Labcorp
Classification: Uncertain significance for Dyskeratosis congenita, autosomal dominant 2; Idiopathic Pulmonary Fibrosis. Last evaluated: 2020-12-12. Review status: criteria provided, single submitter. Criteria: Invitae Variant Classification Sherloc (09022015). Collection method: clinical testing. Allele origin: germline.
Comment: In summary, the available evidence is currently insufficient to determine the role of this variant in disease. Therefore, it has been classified as a Variant of Uncertain Significance. Advanced modeling of protein sequence and biophysical properties (such as structural, functional, and spatial information, amino acid conservation, physicochemical variation, residue mobility, and thermodynamic stability) performed at Invitae indicates that this missense variant is expected to disrupt TERT protein function. This variant has not been reported in the literature in individuals with TERT-related conditions. This variant is not present in population databases (ExAC no frequency). This sequence change replaces threonine with asparagine at codon 1129 of the TERT protein (p.Thr1129Asn). The threonine residue is moderately conserved and there is a small physicochemical difference between threonine and asparagine.